The following is an entry in ClinVar:

NM_001242.5(CD27):c.233G>A (p.Arg78Gln)

Genes: CD27-AS1 (CD27 antisense RNA 1; minus strand), CD27 (CD27 molecule; plus strand). Cytogenetic location: 12p13.31.
Variant type: single nucleotide variant.
Coding change: c.233G>A on transcript NM_001242.5 (MANE Select); coding-DNA position 233, G replaced by A.
Protein change: p.Arg78Gln; replaces arginine 78 with glutamine.
Molecular consequence: missense variant.
Genome position (GRCh38, 1-based): chr12:6,445,520, G>A. VCF-style: chr12-6445520-G-A. GRCh37 (hg19) VCF-style: chr12-6554686-G-A.
Other names: short protein forms R78Q.
Identifiers: ClinVar variation 649825 (VCV000649825.5), dbSNP rs145433356, ClinGen allele CA6406909.

ClinVar aggregate classification (germline): Uncertain significance. Review status: criteria provided, multiple submitters, no conflicts (2 of 4 stars). 2 submissions from 2 submitters: Uncertain significance (2). Last evaluated 2024-03-13.

Conditions:
Lymphoproliferative syndrome 2 (LPFS2). Also called: CD27 DEFICIENCY; Combined immunodeficiency due to CD27 deficiency. Identifiers: Orphanet 238505, MedGen C3554540, MONDO:0014054, OMIM 615122.

Allele frequency attached by ClinVar (database versions not stated): gnomAD 0.00010; TOPMed 0.00010; gnomAD exomes 0.00015; ExAC 0.00021; ESP Exome Variant Server 0.00023.

Submissions (2):

Blueprint Genetics
Classification: Uncertain significance. Last evaluated: 2024-03-13. Review status: criteria provided, single submitter. Criteria: ACMG Guidelines, 2015. Collection method: clinical testing. Allele origin: germline.

Labcorp Genetics (formerly Invitae), Labcorp
Classification: Uncertain significance for Lymphoproliferative syndrome 2. Last evaluated: 2021-11-20. Review status: criteria provided, single submitter. Criteria: Invitae Variant Classification Sherloc (09022015). Collection method: clinical testing. Allele origin: germline.
Comment: This sequence change replaces arginine, which is basic and polar, with glutamine, which is neutral and polar, at codon 78 of the CD27 protein (p.Arg78Gln). This variant is present in population databases (rs145433356, gnomAD 0.03%). This variant has not been reported in the literature in individuals affected with CD27-related conditions. ClinVar contains an entry for this variant (Variation ID: 649825). Algorithms developed to predict the effect of missense changes on protein structure and function output the following: SIFT: "Deleterious"; PolyPhen-2: "Possibly Damaging"; Align-GVGD: "Class C35". The glutamine amino acid residue is found in multiple mammalian species, which suggests that this missense change does not adversely affect protein function. Algorithms developed to predict the effect of sequence changes on RNA splicing suggest that this variant may create or strengthen a splice site. In summary, the available evidence is currently insufficient to determine the role of this variant in disease. Therefore, it has been classified as a Variant of Uncertain Significance.